The following is an entry in ClinVar:

ClinVar aggregate classification (germline): Uncertain significance (1 of 4 stars; one submission).

Conditions:
MHC class II deficiency. Also called: Bare lymphocyte syndrome 2; BLS, TYPE II. Identifiers: Orphanet 572, MedGen C5447452, MONDO:0008855.

Submission:

Labcorp Genetics (formerly Invitae), Labcorp
Classification: Uncertain significance for MHC class II deficiency. Last evaluated: 2024-02-20. Review status: criteria provided, single submitter. Criteria: Invitae Variant Classification Sherloc (09022015). Collection method: clinical testing. Allele origin: germline.
Comment: This sequence change replaces alanine, which is neutral and non-polar, with aspartic acid, which is acidic and polar, at codon 562 of the CIITA protein (p.Ala562Asp). This variant is present in population databases (no rsID available, gnomAD 0.0009%). This variant has not been reported in the literature in individuals affected with CIITA-related conditions. An algorithm developed to predict the effect of missense changes on protein structure and function (PolyPhen-2) suggests that this variant is likely to be tolerated. In summary, the available evidence is currently insufficient to determine the role of this variant in disease. Therefore, it has been classified as a Variant of Uncertain Significance.

NM_000246.4(CIITA):c.1685C>A (p.Ala562Asp)

Gene: CIITA (class II major histocompatibility complex transactivator; plus strand). Cytogenetic location: 16p13.13.
Variant type: single nucleotide variant.
Coding change: c.1685C>A on transcript NM_000246.4 (MANE Select); coding-DNA position 1685, C replaced by A.
Protein change: p.Ala562Asp; replaces alanine 562 with aspartic acid.
Molecular consequence: missense variant. On other transcripts: intron variant (1).
Genome position (GRCh38, 1-based): chr16:10,907,177, C>A. VCF-style: chr16-10907177-C-A. GRCh37 (hg19) VCF-style: chr16-11001034-C-A.
Other names: c.1688C>A, p.Ala563Asp (NM_001286402.1, NM_001379332.1); c.1541C>A, p.Ala514Asp (NM_001379330.1); c.1538C>A, p.Ala513Asp (NM_001379331.1); c.1685C>A, p.Ala562Asp (NM_001379333.1); c.1616C>A, p.Ala539Asp (NM_001379334.1); c.860-1806C>A (NM_001286403.2); short protein forms A513D, A562D, A563D, A514D, A539D.
Identifiers: ClinVar variation 3012343 (VCV003012343.3), dbSNP rs1472453657, ClinGen allele CA394731469.